The following is an entry in ClinVar:

NM_000350.3(ABCA4):c.1269C>T (p.His423=)

Gene: ABCA4 (ATP binding cassette subfamily A member 4; minus strand). Cytogenetic location: 1p22.1.
Variant type: single nucleotide variant.
Coding change: c.1269C>T on transcript NM_000350.3 (MANE Select); coding-DNA position 1269, C replaced by T.
Protein change: p.His423=; no amino-acid change (histidine 423 retained).
Molecular consequence: synonymous variant.
Genome position (GRCh38, 1-based): chr1:94,078,677, G>A on the plus strand (C>T on the coding strand, the complement: ABCA4 is on the minus strand). VCF-style: chr1-94078677-G-A. GRCh37 (hg19) VCF-style: chr1-94544233-G-A.
Other names: p.H423H:CAC>CAT; c.1269C>T, p.His423= (NM_001425324.1).
Identifiers: ClinVar variation 99041 (VCV000099041.33), dbSNP rs4147831, ClinGen allele CA200671.

ClinVar aggregate classification (germline): Benign/Likely benign. Review status: criteria provided, multiple submitters, no conflicts (2 of 4 stars). 11 submissions from 11 submitters: Benign (7); Likely benign (3). 1 of the submissions does not count toward it. Last evaluated 2026-06-26.

Conditions:
ABCA4-related disorder. Also called: ABCA4-related disorders; ABCA4-related condition. Identifiers: MedGen CN239167.
Retinal dystrophy. Also called: Inherited retinal dystrophy. Identifiers: Orphanet 71862, MedGen C0854723, MeSH D058499, MONDO:0019118, HP:0000556.

Allele frequency attached by ClinVar (database versions not stated): gnomAD exomes 0.08065 and 0.08728; ExAC 0.08698; gnomAD 0.09402 and 0.09451; ESP Exome Variant Server 0.09457; TOPMed 0.10053; 1000 Genomes Project 0.11462; 1000 Genomes Project 30x 0.11571.
gnomAD v4.1: 131,814 of 1,608,676 alleles (8.2%); highest among the groups gnomAD compares: East Asian, 13%; 5,818 homozygotes.

Submissions (11):

Women's Health and Genetics/Laboratory Corporation of America, LabCorp
Classification: Benign. Last evaluated: 2026-06-26. Review status: criteria provided, single submitter. Criteria: LabCorp Variant Classification Summary - May 2015. Collection method: clinical testing. Allele origin: germline.

Labcorp Genetics (formerly Invitae), Labcorp
Classification: Benign. Last evaluated: 2026-02-04. Review status: criteria provided, single submitter. Criteria: Invitae Variant Classification Sherloc (09022015). Collection method: clinical testing. Allele origin: germline.

Blueprint Genetics
Classification: Likely benign. Last evaluated: 2024-11-26. Review status: criteria provided, single submitter. Criteria: ACMG Guidelines, 2015. Collection method: clinical testing. Allele origin: germline.

ARUP Laboratories, Molecular Genetics and Genomics, ARUP Laboratories
Classification: Benign. Last evaluated: 2023-11-29. Review status: criteria provided, single submitter. Criteria: ARUP Molecular Germline Variant Investigation Process 2024. Collection method: clinical testing. Allele origin: germline.

Dept Of Ophthalmology, Nagoya University
Classification: Benign for Retinal dystrophy. Last evaluated: 2023-10-01. Review status: criteria provided, single submitter. Criteria: Submitter's publication. Collection method: research. Allele origin: germline. Affected: yes.

Illumina Laboratory Services, Illumina
Classification: Likely benign for ABCA4-Related Disorders. Last evaluated: 2017-04-27. Review status: criteria provided, single submitter. Criteria: ICSL Variant Classification Criteria 13 December 2019. Collection method: clinical testing. Allele origin: germline.
Comment: This variant was observed as part of a predisposition screen in an ostensibly healthy population. A literature search was performed for the gene, cDNA change, and amino acid change (where applicable). No publications were found based on this search. Allele frequency data from public databases allowed determination this variant is unlikely to cause disease. Therefore, this variant is classified as likely benign.

Eurofins Ntd Llc (ga)
Classification: Benign. Last evaluated: 2014-11-07. Review status: criteria provided, single submitter. Criteria: EGL Classification Definitions 2015. Collection method: clinical testing. Allele origin: germline. Observed: 1 variant allele, 1 heterozygote.

GeneDx
Classification: Benign. Last evaluated: 2011-08-12. Review status: criteria provided, single submitter. Criteria: GeneDx Variant Classification (06012015). Collection method: clinical testing. Allele origin: germline. Affected: yes.
Comment: This variant is considered likely benign or benign based on one or more of the following criteria: it is a conservative change, it occurs at a poorly conserved position in the protein, it is predicted to be benign by multiple in silico algorithms, and/or has population frequency not consistent with disease.

Breakthrough Genomics
Classification: Likely benign. Review status: criteria provided, single submitter. Criteria: ACMG Guidelines, 2015. Collection method: not provided. Allele origin: germline. Inheritance: Autosomal recessive inheritance. Affected: yes.

PreventionGenetics, part of Exact Sciences
Classification: Benign. Review status: criteria provided, single submitter. Criteria: ACMG Guidelines, 2015. Collection method: clinical testing. Allele origin: germline.

Retina International
No classification provided. Review status: no classification provided. Collection method: not provided. Allele origin: unknown. Not counted in ClinVar's aggregate classification.